The following is an entry in ClinVar:

NM_014780.5(CUL7):c.3581T>C (p.Leu1194Ser)

Gene: CUL7 (cullin 7; minus strand). Cytogenetic location: 6p21.1.
Variant type: single nucleotide variant.
Coding change: c.3581T>C on transcript NM_014780.5 (MANE Select); coding-DNA position 3581, T replaced by C.
Protein change: p.Leu1194Ser; replaces leucine 1194 with serine.
Molecular consequence: missense variant.
Genome position (GRCh38, 1-based): chr6:43,042,866, A>G on the plus strand (T>C on the coding strand, the complement: CUL7 is on the minus strand). VCF-style: chr6-43042866-A-G. GRCh37 (hg19) VCF-style: chr6-43010604-A-G.
Other names: c.3677T>C, p.Leu1226Ser (NM_001168370.2, NM_001374872.1); c.3581T>C, p.Leu1194Ser (NM_001374873.1); c.3578T>C, p.Leu1193Ser (NM_001374874.1); short protein forms L1226S, L1194S, L1193S.
Identifiers: ClinVar variation 1915365 (VCV001915365.4), dbSNP rs2532627378, ClinGen allele CA364202653.

ClinVar aggregate classification (germline): Uncertain significance (1 of 4 stars; one submission).

Submission:

Labcorp Genetics (formerly Invitae), Labcorp
Classification: Uncertain significance. Last evaluated: 2022-05-12. Review status: criteria provided, single submitter. Criteria: Invitae Variant Classification Sherloc (09022015). Collection method: clinical testing. Allele origin: germline.
Comment: In summary, the available evidence is currently insufficient to determine the role of this variant in disease. Therefore, it has been classified as a Variant of Uncertain Significance. Algorithms developed to predict the effect of missense changes on protein structure and function (SIFT, PolyPhen-2, Align-GVGD) all suggest that this variant is likely to be disruptive. This variant has not been reported in the literature in individuals affected with CUL7-related conditions. This variant is not present in population databases (gnomAD no frequency). This sequence change replaces leucine, which is neutral and non-polar, with serine, which is neutral and polar, at codon 1194 of the CUL7 protein (p.Leu1194Ser).